The following is an entry in ClinVar:

ClinVar aggregate classification (germline): Uncertain significance (1 of 4 stars; one submission).

Conditions:
Autosomal dominant nonsyndromic hearing loss 70. Also called: Deafness, autosomal dominant 70. Identifiers: Orphanet 90635, MedGen C4310775, MONDO:0014853, OMIM 616968.

gnomAD v4.1: 5 of 1,613,348 alleles (0.00031%); highest among the groups gnomAD compares: Admixed American, 0.0017%; no homozygotes.

Submission:

Juno Genomics, Hangzhou Juno Genomics, Inc
Classification: Uncertain significance for Autosomal dominant nonsyndromic hearing loss 70. Review status: criteria provided, single submitter. Criteria: ACMG Guidelines, 2015. Collection method: clinical testing. Allele origin: germline.
Comment: Absent from controls (or at extremely low frequency if recessive) in Genome Aggregation Database.;Multiple lines of computational evidence support a deleterious effect on the gene or gene product.

NM_004526.4(MCM2):c.269A>G (p.Tyr90Cys)

Gene: MCM2 (minichromosome maintenance complex component 2; plus strand). Cytogenetic location: 3q21.3.
Variant type: single nucleotide variant.
Coding change: c.269A>G on transcript NM_004526.4 (MANE Select); coding-DNA position 269, A replaced by G.
Protein change: p.Tyr90Cys; replaces tyrosine 90 with cysteine.
Molecular consequence: missense variant. On other transcripts: non-coding transcript variant (1).
Genome position (GRCh38, 1-based): chr3:127,604,640, A>G. VCF-style: chr3-127604640-A-G. GRCh37 (hg19) VCF-style: chr3-127323483-A-G.
Other names: short protein forms Y90C.
Identifiers: ClinVar variation 5006530 (VCV005006530.2).